The following is an entry in ClinVar:

NM_002039.4(GAB1):c.1890C>T (p.Leu630=)

Gene: GAB1 (GRB2 associated binding protein 1; plus strand). Cytogenetic location: 4q31.21.
Variant type: single nucleotide variant.
Coding change: c.1890C>T on transcript NM_002039.4 (MANE Select); coding-DNA position 1890, C replaced by T.
Protein change: p.Leu630=; no amino-acid change (leucine 630 retained).
Molecular consequence: synonymous variant.
Genome position (GRCh38, 1-based): chr4:143,466,189, C>T. VCF-style: chr4-143466189-C-T. GRCh37 (hg19) VCF-style: chr4-144387342-C-T.
Other names: c.1980C>T, p.Leu660= (NM_207123.3).
Identifiers: ClinVar variation 3048227 (VCV003048227.3), dbSNP rs2229880, ClinGen allele CA3090752.

ClinVar aggregate classification (germline): Likely benign. Review status: criteria provided, single submitter (1 of 4 stars). 2 submissions from 2 submitters: Likely benign (1). 1 of the submissions does not count toward it. Last evaluated 2024-11-12.

Conditions:
GAB1-related disorder. Also called: GAB1-related condition.

Allele frequency attached by ClinVar (database versions not stated): gnomAD exomes 0.00071; ExAC 0.00143; gnomAD 0.00299; ESP Exome Variant Server 0.00308; 1000 Genomes Project 0.00339; TOPMed 0.00352; 1000 Genomes Project 30x 0.00359.
gnomAD v4.1: 1,546 of 1,613,712 alleles (0.096%); highest among the groups gnomAD compares: African/African-American, 0.77%; 7 homozygotes.

Submissions (2):

Blueprint Genetics
Classification: Likely benign. Last evaluated: 2024-11-12. Review status: criteria provided, single submitter. Criteria: ACMG Guidelines, 2015. Collection method: clinical testing. Allele origin: germline.

PreventionGenetics, part of Exact Sciences
Classification: Benign for GAB1-related condition. Last evaluated: 2019-12-06. Review status: no assertion criteria provided. Collection method: clinical testing. Allele origin: germline. Not counted in ClinVar's aggregate classification.
Comment: This variant is classified as benign based on ACMG/AMP sequence variant interpretation guidelines (Richards et al. 2015 PMID: 25741868, with internal and published modifications).